The following is an entry in ClinVar:

ClinVar aggregate classification (germline): Uncertain significance. Review status: criteria provided, multiple submitters, no conflicts (2 of 4 stars). 2 submissions from 2 submitters: Uncertain significance (2). Last evaluated 2025-07-15.

Allele frequency attached by ClinVar (database versions not stated): ExAC 0.00001; TOPMed 0.00001; gnomAD 0.00003; gnomAD exomes 0.00006.
gnomAD v4.1: 89 of 1,613,916 alleles (0.0055%); highest among the groups gnomAD compares: Non-Finnish European, 0.0075%; no homozygotes.

Submissions (2):

Ambry Genetics
Classification: Uncertain significance. Last evaluated: 2025-07-15. Review status: criteria provided, single submitter. Criteria: Ambry Variant Classification Scheme 2023. Collection method: clinical testing. Allele origin: germline.

Labcorp Genetics (formerly Invitae), Labcorp
Classification: Uncertain significance. Last evaluated: 2023-11-24. Review status: criteria provided, single submitter. Criteria: Invitae Variant Classification Sherloc (09022015). Collection method: clinical testing. Allele origin: germline.
Comment: This sequence change replaces valine, which is neutral and non-polar, with glycine, which is neutral and non-polar, at codon 169 of the KCNK4 protein (p.Val169Gly). This variant is present in population databases (rs762190214, gnomAD 0.004%). This variant has not been reported in the literature in individuals affected with KCNK4-related conditions. An algorithm developed to predict the effect of missense changes on protein structure and function (PolyPhen-2) suggests that this variant is likely to be tolerated. In summary, the available evidence is currently insufficient to determine the role of this variant in disease. Therefore, it has been classified as a Variant of Uncertain Significance.

NM_033310.3(KCNK4):c.506T>G (p.Val169Gly)

Genes: KCNK4-CATSPERZ (KCNK4-CATSPERZ readthrough (NMD candidate); plus strand), KCNK4 (potassium two pore domain channel subfamily K member 4; plus strand). Cytogenetic location: 11q13.1.
Variant type: single nucleotide variant.
Coding change: c.506T>G on transcript NM_033310.3 (MANE Select); coding-DNA position 506, T replaced by G.
Protein change: p.Val169Gly; replaces valine 169 with glycine.
Molecular consequence: missense variant. On other transcripts: non-coding transcript variant (1).
Genome position (GRCh38, 1-based): chr11:64,297,498, T>G. VCF-style: chr11-64297498-T-G. GRCh37 (hg19) VCF-style: chr11-64064970-T-G.
Other names: c.506T>G (NM_033310.2); c.506T>G, p.Val169Gly (NM_001317090.2, NM_033311.1); short protein forms V169G.
Identifiers: ClinVar variation 3003834 (VCV003003834.4), dbSNP rs762190214, ClinGen allele CA6073085.